The following is an entry in ClinVar:

NM_152468.5(TMC8):c.1885C>T (p.Arg629Trp)

Gene: TMC8 (transmembrane channel like 8; plus strand). Cytogenetic location: 17q25.3.
Variant type: single nucleotide variant.
Coding change: c.1885C>T on transcript NM_152468.5 (MANE Select); coding-DNA position 1885, C replaced by T.
Protein change: p.Arg629Trp; replaces arginine 629 with tryptophan.
Molecular consequence: missense variant.
Genome position (GRCh38, 1-based): chr17:78,139,223, C>T. VCF-style: chr17-78139223-C-T. GRCh37 (hg19) VCF-style: chr17-76135304-C-T.
Other names: short protein forms R629W.
Identifiers: ClinVar variation 1345245 (VCV001345245.5), dbSNP rs377668539, ClinGen allele CA8797072.

ClinVar aggregate classification (germline): Uncertain significance (1 of 4 stars; one submission).

Conditions:
Epidermodysplasia verruciformis. Identifiers: Orphanet 302, MedGen C0014522, MONDO:0009176.

Allele frequency attached by ClinVar (database versions not stated): ESP Exome Variant Server 0.00008; 1000 Genomes Project 30x 0.00016; 1000 Genomes Project 0.00020; gnomAD 0.00001; gnomAD exomes 0.00001 and 0.00004; TOPMed 0.00001; ExAC 0.00007.
gnomAD v4.1: 16 of 1,613,642 alleles (0.00099%); highest among the groups gnomAD compares: Non-Finnish European, 0.0013%; no homozygotes.

Submission:

Labcorp Genetics (formerly Invitae), Labcorp
Classification: Uncertain significance for Epidermodysplasia verruciformis. Last evaluated: 2021-08-24. Review status: criteria provided, single submitter. Criteria: Invitae Variant Classification Sherloc (09022015). Collection method: clinical testing. Allele origin: germline.
Comment: This sequence change replaces arginine with tryptophan at codon 629 of the TMC8 protein (p.Arg629Trp). The arginine residue is moderately conserved and there is a moderate physicochemical difference between arginine and tryptophan. This variant is present in population databases (rs377668539, ExAC 0.01%). This variant has not been reported in the literature in individuals affected with TMC8-related conditions. Algorithms developed to predict the effect of missense changes on protein structure and function (SIFT, PolyPhen-2, Align-GVGD) all suggest that this variant is likely to be disruptive. In summary, the available evidence is currently insufficient to determine the role of this variant in disease. Therefore, it has been classified as a Variant of Uncertain Significance.